The following is an entry in ClinVar:

ClinVar aggregate classification (germline): Uncertain significance. Review status: criteria provided, multiple submitters, no conflicts (2 of 4 stars). 6 submissions from 6 submitters: Uncertain significance (6). Last evaluated 2025-12-08.

Conditions:
Pheochromocytoma/paraganglioma syndrome 2. Also called: SDHAF2-Related Hereditary Paraganglioma-Pheochromocytoma Syndrome; SDHAF2-Related Hereditary Paraganglioma-Pheochromocytoma Syndrome (Paragangliomas 2); Paragangliomas 2; GLOMUS TUMORS, FAMILIAL, 2. Identifiers: Orphanet 29072, MedGen C1866552, MONDO:0011121, OMIM 601650.
Hereditary cancer-predisposing syndrome. Also called: Hereditary Cancer Syndrome; Tumor predisposition; Neoplastic Syndromes, Hereditary; Hereditary neoplastic syndrome. Identifiers: Orphanet 140162, MedGen C0027672, MeSH D009386, MONDO:0015356.
Hereditary pheochromocytoma and paraganglioma. Also called: Hereditary pheochromocytoma-paraganglioma; Hereditary paragangliomas and pheochromocytomas; Hereditary Paraganglioma-Pheochromocytoma Syndromes. Identifiers: Orphanet 29072, MedGen C4274332, MONDO:0017366.

Allele frequency attached by ClinVar (database versions not stated): gnomAD exomes below 0.00001; ExAC 0.00001.
gnomAD v4.1: 2 of 1,613,876 alleles (0.00012%); highest among the groups gnomAD compares: Non-Finnish European, 0.00017%; no homozygotes.

Submissions (6):

Labcorp Genetics (formerly Invitae), Labcorp
Classification: Uncertain significance for Hereditary pheochromocytoma and paraganglioma. Last evaluated: 2025-12-08. Review status: criteria provided, single submitter. Criteria: Invitae Variant Classification Sherloc (09022015). Collection method: clinical testing. Allele origin: germline.
Comment: This sequence change replaces methionine, which is neutral and non-polar, with valine, which is neutral and non-polar, at codon 79 of the SDHAF2 protein (p.Met79Val). This variant is present in population databases (rs781702725, gnomAD 0.0009%). This variant has not been reported in the literature in individuals affected with SDHAF2-related conditions. ClinVar contains an entry for this variant (Variation ID: 821150). An algorithm developed to predict the effect of missense changes on protein structure and function (PolyPhen-2) suggests that this variant is likely to be disruptive. In summary, the available evidence is currently insufficient to determine the role of this variant in disease. Therefore, it has been classified as a Variant of Uncertain Significance.

Color Diagnostics, LLC DBA Color Health
Classification: Uncertain significance for Hereditary pheochromocytoma and paraganglioma. Last evaluated: 2025-06-03. Review status: criteria provided, single submitter. Criteria: ACMG Guidelines, 2015. Collection method: clinical testing. Allele origin: germline.
Comment: This missense variant replaces methionine with valine at codon 79 of the SDHAF2 protein. Computational prediction suggests that this variant may have deleterious impact on protein structure and function. To our knowledge, functional studies have not been reported for this variant. This variant has not been reported in individuals affected with SDHAF2-related disorders in the literature. This variant has been identified in 1/249344 chromosomes in the general population by the Genome Aggregation Database (gnomAD). The available evidence is insufficient to determine the role of this variant in disease conclusively. Therefore, this variant is classified as a Variant of Uncertain Significance.

Ambry Genetics
Classification: Uncertain significance for Hereditary cancer-predisposing syndrome. Last evaluated: 2024-08-22. Review status: criteria provided, single submitter. Criteria: Ambry Variant Classification Scheme 2023. Collection method: clinical testing. Allele origin: germline.
Comment: The p.M79V variant (also known as c.235A>G), located in coding exon 2 of the SDHAF2 gene, results from an A to G substitution at nucleotide position 235. The methionine at codon 79 is replaced by valine, an amino acid with highly similar properties. This amino acid position is highly conserved in available vertebrate species. In addition, the in silico prediction for this alteration is inconclusive. Since supporting evidence is limited at this time, the clinical significance of this alteration remains unclear.

GeneDx
Classification: Uncertain significance. Last evaluated: 2023-10-16. Review status: criteria provided, single submitter. Criteria: GeneDx Variant Classification Process June 2021. Collection method: clinical testing. Allele origin: germline. Affected: yes.
Comment: Not observed at significant frequency in large population cohorts (gnomAD); In silico analysis supports that this missense variant has a deleterious effect on protein structure/function; Has not been previously published as pathogenic or benign to our knowledge

Baylor Genetics
Classification: Uncertain significance for Pheochromocytoma/paraganglioma syndrome 2. Last evaluated: 2023-09-17. Review status: criteria provided, single submitter. Criteria: ACMG Guidelines, 2015. Collection method: clinical testing. Allele origin: unknown.

All of Us Research Program, National Institutes of Health
Classification: Uncertain significance for Hereditary pheochromocytoma and paraganglioma. Last evaluated: 2023-04-03. Review status: criteria provided, single submitter. Criteria: ACMG Guidelines, 2015. Collection method: clinical testing. Allele origin: germline. Inheritance: Autosomal dominant inheritance. Observed: 1 variant allele, 1 heterozygote.
Comment: This missense variant replaces methionine with valine at codon 79 of the SDHAF2 protein. Computational prediction suggests that this variant may have deleterious impact on protein structure and function (internally defined REVEL score threshold >= 0.7, PMID: 27666373). To our knowledge, functional studies have not been reported for this variant. This variant has not been reported in individuals affected with SDHAF2-related disorders in the literature. This variant has been identified in 1/249344 chromosomes in the general population by the Genome Aggregation Database (gnomAD). The available evidence is insufficient to determine the role of this variant in disease conclusively. Therefore, this variant is classified as a Variant of Uncertain Significance.

This study involves interpretation of variants in research participants for the purpose of population health screening. Participant phenotype was not available at the time of variant classification. Additional details can be found in publication PMID: 35346344, PMCID: PMC8962531

NM_017841.4(SDHAF2):c.235A>G (p.Met79Val)

Gene: SDHAF2 (succinate dehydrogenase complex assembly factor 2; plus strand). Cytogenetic location: 11q12.2.
Variant type: single nucleotide variant.
Coding change: c.235A>G on transcript NM_017841.4 (MANE Select); coding-DNA position 235, A replaced by G.
Protein change: p.Met79Val; replaces methionine 79 with valine.
Molecular consequence: missense variant.
Genome position (GRCh38, 1-based): chr11:61,437,823, A>G. VCF-style: chr11-61437823-A-G. GRCh37 (hg19) VCF-style: chr11-61205295-A-G.
Other names: short protein forms M79V.
Identifiers: ClinVar variation 821150 (VCV000821150.16), dbSNP rs781702725, ClinGen allele CA058038.